The following is an entry in ClinVar:

ClinVar aggregate classification (germline): Pathogenic. Review status: criteria provided, multiple submitters, no conflicts (2 of 4 stars). 3 submissions from 3 submitters: Pathogenic (2). 1 of the submissions does not count toward it. Last evaluated 2025-11-04.

Conditions:
Lymphoproliferative syndrome 2 (LPFS2). Also called: CD27 DEFICIENCY; Combined immunodeficiency due to CD27 deficiency. Identifiers: Orphanet 238505, MedGen C3554540, MONDO:0014054, OMIM 615122.

Allele frequency attached by ClinVar (database versions not stated): gnomAD exomes below 0.00001; TOPMed below 0.00001.
gnomAD v4.1: 3 of 1,614,196 alleles (0.00019%); highest among the groups gnomAD compares: Non-Finnish European, 0.00017%; no homozygotes.

Submissions (3):

Labcorp Genetics (formerly Invitae), Labcorp
Classification: Pathogenic for Lymphoproliferative syndrome 2. Last evaluated: 2025-11-04. Review status: criteria provided, single submitter. Criteria: Invitae Variant Classification Sherloc (09022015). Collection method: clinical testing. Allele origin: germline.
Comment: This sequence change replaces cysteine, which is neutral and slightly polar, with tyrosine, which is neutral and polar, at codon 53 of the CD27 protein (p.Cys53Tyr). This variant is not present in population databases (gnomAD no frequency). This missense change has been observed in individuals with EBV-associated lymphoproliferation (PMID: 22801960, 30293248, 32603431, 32888943). It has also been observed to segregate with disease in related individuals. ClinVar contains an entry for this variant (Variation ID: 40890). Invitae Evidence Modeling of protein sequence and biophysical properties (such as structural, functional, and spatial information, amino acid conservation, physicochemical variation, residue mobility, and thermodynamic stability) indicates that this missense variant is expected to disrupt CD27 protein function with a positive predictive value of 80%. For these reasons, this variant has been classified as Pathogenic.

CeGaT Center for Human Genetics Tuebingen
Classification: Pathogenic. Last evaluated: 2020-05-01. Review status: criteria provided, single submitter. Criteria: CeGaT Center For Human Genetics Tuebingen Variant Classification Criteria Version 2. Collection method: clinical testing. Allele origin: germline. Affected: yes. Observed: 6 variant alleles.

OMIM
Classification: Pathogenic for LYMPHOPROLIFERATIVE SYNDROME 2. Last evaluated: 2013-03-01. Review status: no assertion criteria provided. Collection method: literature only. Allele origin: germline. Not counted in ClinVar's aggregate classification.

Literature cited by the submitters: PubMed 22801960 (cited by Labcorp Genetics (formerly Invitae), Labcorp and OMIM); PubMed 30293248 (cited by Labcorp Genetics (formerly Invitae), Labcorp); PubMed 32603431 (cited by Labcorp Genetics (formerly Invitae), Labcorp); PubMed 32888943 (cited by Labcorp Genetics (formerly Invitae), Labcorp).

NM_001242.5(CD27):c.158G>A (p.Cys53Tyr)

Genes: CD27 (CD27 molecule; plus strand), CD27-AS1 (CD27 antisense RNA 1; minus strand). Cytogenetic location: 12p13.31.
Variant type: single nucleotide variant.
Coding change: c.158G>A on transcript NM_001242.5 (MANE Select); coding-DNA position 158, G replaced by A.
Protein change: p.Cys53Tyr; replaces cysteine 53 with tyrosine.
Molecular consequence: missense variant.
Genome position (GRCh38, 1-based): chr12:6,445,445, G>A. VCF-style: chr12-6445445-G-A. GRCh37 (hg19) VCF-style: chr12-6554611-G-A.
Other names: short protein forms C53Y.
Identifiers: ClinVar variation 40890 (VCV000040890.47), dbSNP rs397514667, ClinGen allele CA130832.